The following is an entry in ClinVar:

NM_015198.5(COBL):c.958-41_960del

Gene: COBL (cordon-bleu WH2 repeat protein; minus strand). Cytogenetic location: 7p12.1.
Variant type: Deletion.
Coding change: c.958-41_960del on transcript NM_015198.5 (MANE Select); 41 bases into the intron before coding-DNA position 958 through coding-DNA position 960, 44 bases deleted.
Molecular consequence: splice acceptor variant.
Genome position (GRCh38, 1-based): chr7:51,085,302-51,085,345, 44 bases deleted; deleting any 44 consecutive bases within chr7:51,085,302-51,085,367 gives the same sequence; the c. name uses the placement nearest the transcript's 3' end. GRCh37 (hg19): chr7:51,153,021-51,153,064.
Other names: c.958-41_960del (NM_001346443.2, NM_001346442.2, NM_001346441.2 and 3 more transcripts).
Identifiers: ClinVar variation 917805 (VCV000917805.1), dbSNP rs1794112004, ClinGen allele CA1139660068.

ClinVar aggregate classification (germline): Uncertain significance (1 of 4 stars; one submission).

Submission:

Women's Health and Genetics/Laboratory Corporation of America, LabCorp
Classification: Uncertain significance. Last evaluated: 2020-04-22. Review status: criteria provided, single submitter. Criteria: LabCorp Variant Classification Summary - May 2015. Collection method: clinical testing. Allele origin: germline.
Comment: Variant summary: COBL c.958-41_960del44 (aka c.958-63_958-20del44, using an alternative nomenclature) is located to splice-region and therefore might affect mRNA splicing, resulting in a significantly altered protein due to either exon skipping, shortening, or inclusion of intronic material. Four computational tools predict the variant abolishes a cryptic 3' acceptor site, thus the coding sequence could potentially remain unaffected, however these predictions have yet to be confirmed by functional studies. This variant was absent in 237458 control chromosomes (gnomAD). However, it is located to a region, where a similar variant (c.958-60_958-27del34), is a frequent allele, occurring in about 44% of the control population. To our knowledge, no occurrence of c.958-41_960del44 in individuals affected with COBL-Related Disorders and no experimental evidence demonstrating its impact on protein function have been reported. No clinical diagnostic laboratories have submitted clinical-significance assessments for this variant to ClinVar after 2014. Based on the evidence outlined above, the variant was classified as uncertain significance.